The following is an entry in ClinVar:

NM_004304.5(ALK):c.4015dup (p.Leu1339fs)

Gene: ALK (ALK receptor tyrosine kinase; minus strand). Cytogenetic location: 2p23.2.
Variant type: Duplication.
Coding change: c.4015dup on transcript NM_004304.5 (MANE Select); coding-DNA position 4015, one base duplicated (C; older notation c.4015dupC).
Protein change: p.Leu1339fs; shifts the reading frame from leucine 1339.
Molecular consequence: frameshift variant.
Genome position (GRCh38, 1-based): chr2:29,197,600, G duplicated on the plus strand (C on the coding strand, the reverse complement: ALK is on the minus strand). VCF-style (leftmost placement, unchanged base first): chr2-29197599-A-AG. GRCh37 (hg19) VCF-style: chr2-29420465-A-AG.
Other names: c.811dup, p.Leu271fs (NM_001353765.2); short protein forms L271fs, L1339fs.
Identifiers: ClinVar variation 3854128 (VCV003854128.2).
Genomic context (GRCh38, chr2:29,197,599, plus strand): 5'-TACACAGGCCCAGGGCAGTTCTTGGGTGGGTCCATCCGGCCTCCACTGGTGACAAACTCC[A>AG]GAACTTCCTGGTTGCTTTTGCTGGGGTATGGCATATATCCAAGAGAAAAGATTTCCCATA-3'

ClinVar aggregate classification (germline): Uncertain significance (1 of 4 stars; one submission).

Conditions:
Hereditary cancer-predisposing syndrome. Also called: Hereditary Cancer Syndrome; Hereditary neoplastic syndrome; Neoplastic Syndromes, Hereditary; Tumor predisposition. Identifiers: Orphanet 140162, MedGen C0027672, MeSH D009386, MONDO:0015356.

Submission:

Ambry Genetics
Classification: Uncertain significance for Hereditary cancer-predisposing syndrome. Last evaluated: 2026-07-30. Review status: criteria provided, single submitter. Criteria: Ambry Variant Classification Scheme 2023. Collection method: clinical testing. Allele origin: germline.
Comment: The c.4015dupC variant, located in coding exon 27 of the ALK gene, results from a duplication of C at nucleotide position 4015, causing a translational frameshift with a predicted alternate stop codon (p.L1339Pfs*33). This variant occurs at the 3' terminus of the gene and is not expected to trigger nonsense-mediated mRNA decay. Based on the available evidence, the clinical significance of this variant remains unclear.